The following is an entry in ClinVar:

NM_003140.3(SRY):c.556A>G (p.Ile186Val)

Gene: SRY (sex determining region Y; minus strand). Cytogenetic location: Yp11.2.
Variant type: single nucleotide variant.
Coding change: c.556A>G on transcript NM_003140.3 (MANE Select); coding-DNA position 556, A replaced by G.
Protein change: p.Ile186Val; replaces isoleucine 186 with valine.
Molecular consequence: missense variant.
Genome position (GRCh38, 1-based): chrY:2,787,048, T>C on the plus strand (A>G on the coding strand, the complement: SRY is on the minus strand). VCF-style: chrY-2787048-T-C. GRCh37 (hg19) VCF-style: chrY-2655089-T-C.
Other names: short protein forms I186V.
Identifiers: ClinVar variation 3727126 (VCV003727126.2).

ClinVar aggregate classification (germline): Uncertain significance (1 of 4 stars; one submission).

Conditions:
46,XY sex reversal 1. Also called: SRY-related 46,XY complete gonadal dysgenesis; 46,XY SEX REVERSAL, SRY-RELATED. Identifiers: Orphanet 242, MedGen C2748896, MONDO:0020712, OMIM 400044.

Submission:

Labcorp Genetics (formerly Invitae), Labcorp
Classification: Uncertain significance for 46,XY sex reversal 1. Last evaluated: 2024-12-15. Review status: criteria provided, single submitter. Criteria: Invitae Variant Classification Sherloc (09022015). Collection method: clinical testing. Allele origin: germline.
Comment: This sequence change replaces isoleucine, which is neutral and non-polar, with valine, which is neutral and non-polar, at codon 186 of the SRY protein (p.Ile186Val). The frequency data for this variant in the population databases is considered unreliable, as metrics indicate insufficient coverage at this position in the gnomAD database. This variant has not been reported in the literature in individuals affected with SRY-related conditions. An algorithm developed to predict the effect of missense changes on protein structure and function (PolyPhen-2) suggests that this variant is likely to be tolerated. In summary, the available evidence is currently insufficient to determine the role of this variant in disease. Therefore, it has been classified as a Variant of Uncertain Significance.